The following is an entry in ClinVar:

NM_177438.3(DICER1):c.1783dup (p.Asp595fs)

Gene: DICER1 (dicer 1, ribonuclease III; minus strand). Cytogenetic location: 14q32.13.
Variant type: Duplication.
Coding change: c.1783dup on transcript NM_177438.3 (MANE Select); coding-DNA position 1783, one base duplicated (G; older notation c.1783dupG).
Protein change: p.Asp595fs; shifts the reading frame from aspartic acid 595.
Molecular consequence: frameshift variant. On other transcripts: non-coding transcript variant (6).
Genome position (GRCh38, 1-based): chr14:95,115,791, C duplicated on the plus strand (G on the coding strand, the reverse complement: DICER1 is on the minus strand). VCF-style (leftmost placement, unchanged base first): chr14-95115790-T-TC. GRCh37 (hg19) VCF-style: chr14-95582127-T-TC.
Other names: c.1783dup, p.Asp595fs (NM_001195573.1, NM_001271282.3, NM_001291628.2 and 12 more transcripts); c.1501dup, p.Asp501fs (NM_001395686.1); c.1378dup, p.Asp460fs (NM_001395687.1, NM_001395688.1, NM_001395689.1 and 3 more transcripts); c.1216dup, p.Asp406fs (NM_001395691.1); c.100dup, p.Asp34fs (NM_001395697.1); c.1783dupG (NM_177438.2); short protein forms D460fs, D595fs, D34fs, D406fs, D501fs.
Identifiers: ClinVar variation 3501921 (VCV003501921.1).

ClinVar aggregate classification (germline): Pathogenic (1 of 4 stars; one submission).

Conditions:
Hereditary cancer-predisposing syndrome. Also called: Tumor predisposition; Neoplastic Syndromes, Hereditary; Hereditary Cancer Syndrome; Hereditary neoplastic syndrome. Identifiers: Orphanet 140162, MedGen C0027672, MeSH D009386, MONDO:0015356.

Submission:

Ambry Genetics
Classification: Pathogenic for Hereditary cancer-predisposing syndrome. Last evaluated: 2024-10-25. Review status: criteria provided, single submitter. Criteria: Ambry Variant Classification Scheme 2023. Collection method: clinical testing. Allele origin: germline.
Comment: The c.1783dupG pathogenic mutation, located in coding exon 10 of the DICER1 gene, results from a duplication of G at nucleotide position 1783, causing a translational frameshift with a predicted alternate stop codon (p.D595Gfs*4). This variant is considered to be rare based on population cohorts in the Genome Aggregation Database (gnomAD). This alteration is expected to result in loss of function by premature protein truncation or nonsense-mediated mRNA decay. As such, this alteration is interpreted as a disease-causing mutation.